The following is an entry in ClinVar:

NM_176824.3(BBS7):c.1413T>A (p.Tyr471Ter)

Gene: BBS7 (Bardet-Biedl syndrome 7; minus strand). Cytogenetic location: 4q27.
Variant type: single nucleotide variant.
Coding change: c.1413T>A on transcript NM_176824.3 (MANE Select); coding-DNA position 1413, T replaced by A.
Protein change: p.Tyr471Ter; replaces tyrosine 471 with a stop codon.
Molecular consequence: nonsense.
Genome position (GRCh38, 1-based): chr4:121,835,242, A>T on the plus strand (T>A on the coding strand, the complement: BBS7 is on the minus strand). VCF-style: chr4-121835242-A-T. GRCh37 (hg19) VCF-style: chr4-122756397-A-T.
Other names: c.1413T>A, p.Tyr471Ter (NM_018190.4); short protein forms Y471*.
Identifiers: ClinVar variation 531822 (VCV000531822.1), dbSNP rs991365297, ClinGen allele CA358058841.

ClinVar aggregate classification (germline): Pathogenic (1 of 4 stars; one submission).

Conditions:
Bardet-Biedl syndrome (BBS). Identifiers: Orphanet 110, MedGen C0752166, MONDO:0015229.

Submission:

Labcorp Genetics (formerly Invitae), Labcorp
Classification: Pathogenic for Bardet-Biedl syndrome. Last evaluated: 2017-11-22. Review status: criteria provided, single submitter. Criteria: Invitae Variant Classification Sherloc (09022015). Collection method: clinical testing. Allele origin: germline.
Comment: This sequence change creates a premature translational stop signal (p.Tyr471*) in the BBS7 gene. It is expected to result in an absent or disrupted protein product. This variant is not present in population databases (ExAC no frequency). This variant has not been reported in the literature in individuals with BBS7-related disease. Loss-of-function variants in BBS7 are known to be pathogenic (PMID: 12567324). For these reasons, this variant has been classified as Pathogenic.